The following is an entry in ClinVar:

NM_177438.3(DICER1):c.3224C>T (p.Ala1075Val)

Gene: DICER1 (dicer 1, ribonuclease III; minus strand). Cytogenetic location: 14q32.13.
Variant type: single nucleotide variant.
Coding change: c.3224C>T on transcript NM_177438.3 (MANE Select); coding-DNA position 3224, C replaced by T.
Protein change: p.Ala1075Val; replaces alanine 1075 with valine.
Molecular consequence: missense variant.
Genome position (GRCh38, 1-based): chr14:95,105,116, G>A on the plus strand (C>T on the coding strand, the complement: DICER1 is on the minus strand). VCF-style: chr14-95105116-G-A. GRCh37 (hg19) VCF-style: chr14-95571453-G-A.
Other names: c.3224C>T, p.Ala1075Val (NM_001195573.1, NM_001271282.3, NM_001291628.2 and 1 more transcripts); short protein forms A1075V.
Identifiers: ClinVar variation 1511453 (VCV001511453.11), dbSNP rs2139986130, ClinGen allele CA390876443.
Genomic context (GRCh38, chr14:95,105,116, plus strand): 5'-ACTGCACAGGCATACCTAAAATCCGCAGGAAGTGATCTGACTCCCACGCCAGCATCGCTG[G>A]CAGTCTGGGCTCTTAGCTCCTCTGCAGTCAAAAGGCAGTGAAGGCGATAAAGTATGCTGG-3'
Protein context (NP_803187.1, residues 1065-1085): LTAEELRAQT[Ala1075Val]SDAGVGVRSL

ClinVar aggregate classification (germline): Uncertain significance. Review status: criteria provided, multiple submitters, no conflicts (2 of 4 stars). 3 submissions from 3 submitters: Uncertain significance (3). Last evaluated 2025-10-14.

Conditions:
DICER1-related tumor predisposition. Also called: DICER1 syndrome; DICER1-related pleuropulmonary blastoma cancer predisposition syndrome. Identifiers: Orphanet 284343, MedGen C3839822, MONDO:0100216.
Hereditary cancer-predisposing syndrome. Also called: Neoplastic Syndromes, Hereditary; Hereditary Cancer Syndrome; Tumor predisposition; Hereditary neoplastic syndrome. Identifiers: Orphanet 140162, MedGen C0027672, MeSH D009386, MONDO:0015356.

Submissions (3):

Ambry Genetics
Classification: Uncertain significance for Hereditary cancer-predisposing syndrome. Last evaluated: 2025-10-14. Review status: criteria provided, single submitter. Criteria: Ambry Variant Classification Scheme 2023. Collection method: clinical testing. Allele origin: germline.
Comment: The p.A1075V variant (also known as c.3224C>T), located in coding exon 19 of the DICER1 gene, results from a C to T substitution at nucleotide position 3224. The alanine at codon 1075 is replaced by valine, an amino acid with similar properties. This amino acid position is highly conserved in available vertebrate species. In addition, the in silico prediction for this alteration is inconclusive. Since supporting evidence is limited at this time, the clinical significance of this alteration remains unclear.

Labcorp Genetics (formerly Invitae), Labcorp
Classification: Uncertain significance for DICER1-related tumor predisposition. Last evaluated: 2024-11-18. Review status: criteria provided, single submitter. Criteria: Invitae Variant Classification Sherloc (09022015). Collection method: clinical testing. Allele origin: germline.
Comment: This sequence change replaces alanine, which is neutral and non-polar, with valine, which is neutral and non-polar, at codon 1075 of the DICER1 protein (p.Ala1075Val). This variant is not present in population databases (gnomAD no frequency). This variant has not been reported in the literature in individuals affected with DICER1-related conditions. ClinVar contains an entry for this variant (Variation ID: 1511453). Invitae Evidence Modeling of protein sequence and biophysical properties (such as structural, functional, and spatial information, amino acid conservation, physicochemical variation, residue mobility, and thermodynamic stability) has been performed for this missense variant. However, the output from this modeling did not meet the statistical confidence thresholds required to predict the impact of this variant on DICER1 protein function. In summary, the available evidence is currently insufficient to determine the role of this variant in disease. Therefore, it has been classified as a Variant of Uncertain Significance.

GeneDx
Classification: Uncertain significance. Last evaluated: 2022-12-16. Review status: criteria provided, single submitter. Criteria: GeneDx Variant Classification Process June 2021. Collection method: clinical testing. Allele origin: germline. Affected: yes.
Comment: Not observed at significant frequency in large population cohorts (gnomAD); In silico analysis supports that this missense variant does not alter protein structure/function; Has not been previously published as pathogenic or benign to our knowledge